The following is an entry in ClinVar:

ClinVar aggregate classification (germline): Uncertain significance (1 of 4 stars; one submission).

Conditions:
Cardiovascular phenotype. Identifiers: MedGen CN230736.

Allele frequency attached by ClinVar (database versions not stated): TOPMed 0.00001.
gnomAD v4.1: 1 of 1,511,426 alleles (0.000066%); no homozygotes.

Submission:

Ambry Genetics
Classification: Uncertain significance for Cardiovascular phenotype. Last evaluated: 2024-02-03. Review status: criteria provided, single submitter. Criteria: Ambry Variant Classification Scheme 2023. Collection method: clinical testing. Allele origin: germline.
Comment: The p.I545V variant (also known as c.1633A>G), located in coding exon 29 of the TRDN gene, results from an A to G substitution at nucleotide position 1633. The isoleucine at codon 545 is replaced by valine, an amino acid with highly similar properties. This amino acid position is conserved. In addition, this alteration is predicted to be tolerated by in silico analysis. Based on the available evidence, the clinical significance of this alteration remains unclear.

NM_006073.4(TRDN):c.1633A>G (p.Ile545Val)

Gene: TRDN (triadin; minus strand). Cytogenetic location: 6q22.31.
Variant type: single nucleotide variant.
Coding change: c.1633A>G on transcript NM_006073.4 (MANE Select); coding-DNA position 1633, A replaced by G.
Protein change: p.Ile545Val; replaces isoleucine 545 with valine.
Molecular consequence: missense variant.
Genome position (GRCh38, 1-based): chr6:123,273,003, T>C on the plus strand (A>G on the coding strand, the complement: TRDN is on the minus strand). VCF-style: chr6-123273003-T-C. GRCh37 (hg19) VCF-style: chr6-123594148-T-C.
Other names: short protein forms I545V.
Identifiers: ClinVar variation 3225237 (VCV003225237.1), dbSNP rs897492914, ClinGen allele CA147231639.
Genomic context (GRCh38, chr6:123,273,003, plus strand): 5'-CAAATACCACCTGCAAAATACCTGGTTTACCATGAGAAACAGTCTTTTCTGGTTTCACTA[T>C]GTCTTGTTCTGAAAATAATAAAAAGAAAATCTTTTTTAGGTATTTAGAAGCTGGGAAAAT-3'
Protein context (NP_006064.2, residues 535-555): SEKVQIHKQD[Ile545Val]VKPEKTVSHG